The following is an entry in ClinVar:

NM_006947.4(SRP72):c.1210C>T (p.His404Tyr)

Gene: SRP72 (signal recognition particle 72; plus strand). Cytogenetic location: 4q12.
Variant type: single nucleotide variant.
Coding change: c.1210C>T on transcript NM_006947.4 (MANE Select); coding-DNA position 1210, C replaced by T.
Protein change: p.His404Tyr; replaces histidine 404 with tyrosine.
Molecular consequence: missense variant. On other transcripts: non-coding transcript variant (1).
Genome position (GRCh38, 1-based): chr4:56,487,999, C>T. VCF-style: chr4-56487999-C-T. GRCh37 (hg19) VCF-style: chr4-57354165-C-T.
Other names: c.1027C>T, p.His343Tyr (NM_001267722.2); short protein forms H343Y, H404Y.
Identifiers: ClinVar variation 2737912 (VCV002737912.3), dbSNP rs2545764577, ClinGen allele CA357000611.

ClinVar aggregate classification (germline): Uncertain significance (1 of 4 stars; one submission).

Submission:

Labcorp Genetics (formerly Invitae), Labcorp
Classification: Uncertain significance. Last evaluated: 2024-01-25. Review status: criteria provided, single submitter. Criteria: Invitae Variant Classification Sherloc (09022015). Collection method: clinical testing. Allele origin: germline.
Comment: This sequence change replaces histidine, which is basic and polar, with tyrosine, which is neutral and polar, at codon 404 of the SRP72 protein (p.His404Tyr). This variant is not present in population databases (gnomAD no frequency). This variant has not been reported in the literature in individuals affected with SRP72-related conditions. Advanced modeling of protein sequence and biophysical properties (such as structural, functional, and spatial information, amino acid conservation, physicochemical variation, residue mobility, and thermodynamic stability) performed at Invitae indicates that this missense variant is not expected to disrupt SRP72 protein function with a negative predictive value of 80%. Algorithms developed to predict the effect of sequence changes on RNA splicing suggest that this variant may disrupt the consensus splice site. In summary, the available evidence is currently insufficient to determine the role of this variant in disease. Therefore, it has been classified as a Variant of Uncertain Significance.